The following is an entry in ClinVar:

NM_020937.4(FANCM):c.1255A>G (p.Met419Val)

Gene: FANCM (FA complementation group M; plus strand). Cytogenetic location: 14q21.2.
Variant type: single nucleotide variant.
Coding change: c.1255A>G on transcript NM_020937.4 (MANE Select); coding-DNA position 1255, A replaced by G.
Protein change: p.Met419Val; replaces methionine 419 with valine.
Molecular consequence: missense variant.
Genome position (GRCh38, 1-based): chr14:45,154,768, A>G. VCF-style: chr14-45154768-A-G. GRCh37 (hg19) VCF-style: chr14-45623971-A-G.
Other names: c.1177A>G, p.Met393Val (NM_001308133.2); c.1255A>G, p.Met419Val (NM_001308134.2); c.1255A>G (NM_020937.2); short protein forms M419V, M393V.
Identifiers: ClinVar variation 1514075 (VCV001514075.10), dbSNP rs552281088, ClinGen allele CA7168978.

ClinVar aggregate classification (germline): Uncertain significance. Review status: criteria provided, multiple submitters, no conflicts (2 of 4 stars). 4 submissions from 4 submitters: Uncertain significance (4). Last evaluated 2024-12-15.

Conditions:
Inborn genetic diseases. Identifiers: MedGen C0950123, MeSH D030342.
Fanconi anemia (FA). Also called: Fanconi's anemia. Identifiers: Orphanet 84, MedGen C0015625, MeSH D005199, MONDO:0019391.
Spermatogenic failure 28. Identifiers: MedGen C4748117, MONDO:0054732, OMIM 618086.
Premature ovarian failure 15. Identifiers: MedGen C4748170, MONDO:0054862, OMIM 618096.

Allele frequency attached by ClinVar (database versions not stated): gnomAD exomes 0.00001 and 0.00002; ExAC 0.00002; gnomAD 0.00002; 1000 Genomes Project 30x 0.00016; 1000 Genomes Project 0.00020.
gnomAD v4.1: 21 of 1,604,356 alleles (0.0013%); highest among the groups gnomAD compares: South Asian, 0.021%; no homozygotes.

Submissions (4):

Ambry Genetics
Classification: Uncertain significance for Inborn genetic diseases. Last evaluated: 2024-12-15. Review status: criteria provided, single submitter. Criteria: Ambry Variant Classification Scheme 2023. Collection method: clinical testing. Allele origin: germline.
Comment: The p.M419V variant (also known as c.1255A>G), located in coding exon 7 of the FANCM gene, results from an A to G substitution at nucleotide position 1255. The methionine at codon 419 is replaced by valine, an amino acid with highly similar properties. This amino acid position is conserved. In addition, this alteration is predicted to be tolerated by in silico analysis. Based on the available evidence, the clinical significance of this variant remains unclear.

Fulgent Genetics
Classification: Uncertain significance for Spermatogenic failure 28; Premature ovarian failure 15. Last evaluated: 2024-06-12. Review status: criteria provided, single submitter. Criteria: ACMG Guidelines, 2015. Collection method: clinical testing. Allele origin: germline.

GeneDx
Classification: Uncertain significance. Last evaluated: 2023-09-12. Review status: criteria provided, single submitter. Criteria: GeneDx Variant Classification Process June 2021. Collection method: clinical testing. Allele origin: germline. Affected: yes.
Comment: Not observed at significant frequency in large population cohorts (gnomAD); In silico analysis supports that this missense variant has a deleterious effect on protein structure/function; Has not been previously published as pathogenic or benign to our knowledge

Labcorp Genetics (formerly Invitae), Labcorp
Classification: Uncertain significance for Fanconi anemia. Last evaluated: 2021-07-14. Review status: criteria provided, single submitter. Criteria: Invitae Variant Classification Sherloc (09022015). Collection method: clinical testing. Allele origin: germline.
Comment: This sequence change replaces methionine with valine at codon 419 of the FANCM protein (p.Met419Val). The methionine residue is weakly conserved and there is a small physicochemical difference between methionine and valine. This variant is present in population databases (rs552281088, ExAC 0.01%). This variant has not been reported in the literature in individuals affected with FANCM-related conditions. Algorithms developed to predict the effect of missense changes on protein structure and function output the following: SIFT: "Tolerated"; PolyPhen-2: "Benign"; Align-GVGD: "Class C0". The valine amino acid residue is found in multiple mammalian species, which suggests that this missense change does not adversely affect protein function. In summary, the available evidence is currently insufficient to determine the role of this variant in disease. Therefore, it has been classified as a Variant of Uncertain Significance.